The following is an entry in ClinVar:

NM_001378454.1(ALMS1):c.9315A>G (p.Lys3105=)

Gene: ALMS1 (ALMS1 centrosome and basal body associated protein; plus strand). Cytogenetic location: 2p13.1.
Variant type: single nucleotide variant.
Coding change: c.9315A>G on transcript NM_001378454.1 (MANE Select); coding-DNA position 9315, A replaced by G.
Protein change: p.Lys3105=; no amino-acid change (lysine 3105 retained).
Molecular consequence: synonymous variant.
Genome position (GRCh38, 1-based): chr2:73,491,274, A>G. VCF-style: chr2-73491274-A-G. GRCh37 (hg19) VCF-style: chr2-73718401-A-G.
Other names: c.9318A>G, p.Lys3106= (NM_015120.4).
Identifiers: ClinVar variation 3051034 (VCV003051034.1), dbSNP rs2466220248, ClinGen allele CA427015615.

ClinVar aggregate classification (germline): Likely benign (1 of 4 stars; one submission).

Conditions:
ALMS1-related disorder. Also called: ALMS1-related condition.

Submission:

PreventionGenetics, part of Exact Sciences
Classification: Likely benign for ALMS1-related condition. Last evaluated: 2021-10-13. Review status: criteria provided, single submitter. Criteria: ACMG Guidelines, 2015. Collection method: clinical testing. Allele origin: germline.
Comment: This variant is classified as likely benign based on ACMG/AMP sequence variant interpretation guidelines (Richards et al. 2015 PMID: 25741868, with internal and published modifications).